The following is an entry in ClinVar:

ClinVar aggregate classification (germline): Uncertain significance (1 of 4 stars; one submission).

Conditions:
Gastrointestinal stromal tumor. Also called: Gastrointestinal stromal tumor, somatic; Gastrointestinal stroma tumor. Identifiers: Orphanet 44890, MedGen C0238198, MeSH D046152, MONDO:0011719, OMIM 606764, HP:0100723.

Submission:

Labcorp Genetics (formerly Invitae), Labcorp
Classification: Uncertain significance for Gastrointestinal stromal tumor. Last evaluated: 2018-12-23. Review status: criteria provided, single submitter. Criteria: Invitae Variant Classification Sherloc (09022015). Collection method: clinical testing. Allele origin: germline.
Comment: In summary, the available evidence is currently insufficient to determine the role of this variant in disease. Therefore, it has been classified as a Variant of Uncertain Significance. Algorithms developed to predict the effect of missense changes on protein structure and function (SIFT, PolyPhen-2, Align-GVGD) all suggest that this variant is likely to be tolerated, but these predictions have not been confirmed by published functional studies and their clinical significance is uncertain. This variant has not been reported in the literature in individuals with PDGFRA-related conditions. This variant is not present in population databases (ExAC no frequency). This sequence change replaces valine with leucine at codon 901 of the PDGFRA protein (p.Val901Leu). The valine residue is highly conserved and there is a small physicochemical difference between valine and leucine.

NM_006206.6(PDGFRA):c.2701G>T (p.Val901Leu)

Gene: PDGFRA (platelet derived growth factor receptor alpha; plus strand). Cytogenetic location: 4q12.
Variant type: single nucleotide variant.
Coding change: c.2701G>T on transcript NM_006206.6 (MANE Select); coding-DNA position 2701, G replaced by T.
Protein change: p.Val901Leu; replaces valine 901 with leucine.
Molecular consequence: missense variant.
Genome position (GRCh38, 1-based): chr4:54,288,825, G>T. VCF-style: chr4-54288825-G-T. GRCh37 (hg19) VCF-style: chr4-55154992-G-T.
Other names: c.2776G>T, p.Val926Leu (NM_001347828.2); c.2701G>T, p.Val901Leu (NM_001347829.2); c.2740G>T, p.Val914Leu (NM_001347830.2); short protein forms V901L, V914L, V926L.
Identifiers: ClinVar variation 658586 (VCV000658586.9), dbSNP rs1577745988, ClinGen allele CA356895457.